The following is an entry in ClinVar:

ClinVar aggregate classification (germline): Likely benign. Review status: criteria provided, multiple submitters, no conflicts (2 of 4 stars). 2 submissions from 2 submitters: Likely benign (2). Last evaluated 2024-12-08.

Conditions:
CIC-related disorder. Also called: CIC-related condition.

Allele frequency attached by ClinVar (database versions not stated): gnomAD 0.00002; gnomAD exomes 0.00002 and 0.00004; TOPMed 0.00003; ExAC 0.00006.

Submissions (2):

PreventionGenetics, part of Exact Sciences
Classification: Likely benign for CIC-related condition. Last evaluated: 2024-12-08. Review status: criteria provided, single submitter. Criteria: ACMG Guidelines, 2015. Collection method: clinical testing. Allele origin: germline.
Comment: This variant is classified as likely benign based on ACMG/AMP sequence variant interpretation guidelines (Richards et al. 2015 PMID: 25741868, with internal and published modifications).

CeGaT Center for Human Genetics Tuebingen
Classification: Likely benign. Last evaluated: 2018-10-01. Review status: criteria provided, single submitter. Criteria: CeGaT Center For Human Genetics Tuebingen Variant Classification Criteria Version 2. Collection method: clinical testing. Allele origin: germline. Affected: yes. Observed: 1 variant allele.

NM_001386298.1(CIC):c.6458G>A (p.Arg2153Gln)

Gene: CIC (capicua transcriptional repressor; plus strand). Cytogenetic location: 19q13.2.
Variant type: single nucleotide variant.
Coding change: c.6458G>A on transcript NM_001386298.1 (MANE Select); coding-DNA position 6458, G replaced by A.
Protein change: p.Arg2153Gln; replaces arginine 2153 with glutamine.
Molecular consequence: missense variant.
Genome position (GRCh38, 1-based): chr19:42,293,217, G>A. VCF-style: chr19-42293217-G-A. GRCh37 (hg19) VCF-style: chr19-42797369-G-A.
Other names: c.6458G>A, p.Arg2153Gln (NM_001304815.2, NM_001379482.1); c.6455G>A, p.Arg2152Gln (NM_001379480.1); c.3731G>A, p.Arg1244Gln (NM_001379484.1, NM_001379485.1, NM_015125.5); c.3731G>A (NM_015125.4); short protein forms R1244Q, R2153Q, R2152Q.
Identifiers: ClinVar variation 808593 (VCV000808593.43), dbSNP rs753703401, ClinGen allele CA9472713.
Genomic context (GRCh38, chr19:42,293,217, plus strand): 5'-AGGGGCAGCCCACACCACCAGCCCCTCCACCCCTGCCAGAGACCTGGACTCCCACGGCCC[G>A]GAGCAGCCCCCCACTGCCCCCACCTGCTGAGGAGCGGACCAGCGCCAAGGGCCCTGAGAC-3'
Protein context (NP_001373227.1, residues 2143-2163): PLPETWTPTA[Arg2153Gln]SSPPLPPPAE